The following is an entry in ClinVar:

NM_001330195.2(NRXN3):c.2891G>C (p.Ser964Thr)

Gene: NRXN3 (neurexin 3; plus strand). Cytogenetic location: 14q31.1.
Variant type: single nucleotide variant.
Coding change: c.2891G>C on transcript NM_001330195.2 (MANE Select); coding-DNA position 2891, G replaced by C.
Protein change: p.Ser964Thr; replaces serine 964 with threonine.
Molecular consequence: missense variant. On other transcripts: non-coding transcript variant (4).
Genome position (GRCh38, 1-based): chr14:78,967,321, G>C. VCF-style: chr14-78967321-G-C. GRCh37 (hg19) VCF-style: chr14-79433664-G-C.
Other names: c.1772G>C, p.Ser591Thr (NM_004796.6); c.2891G>C, p.Ser964Thr (NM_001366425.1); c.2903G>C, p.Ser968Thr (NM_001366426.1); short protein forms S591T, S964T, S968T.
Identifiers: ClinVar variation 3921996 (VCV003921996.2).

ClinVar aggregate classification (germline): Uncertain significance. Review status: criteria provided, multiple submitters, no conflicts (2 of 4 stars). 2 submissions from 2 submitters: Uncertain significance (2). Last evaluated 2026-07-01.

gnomAD v4.1: 1 of 1,613,902 alleles (0.000062%); highest among the groups gnomAD compares: Non-Finnish European, 0.000085%; no homozygotes.

Submissions (2):

CeGaT Center for Human Genetics Tuebingen
Classification: Uncertain significance. Last evaluated: 2026-07-01. Review status: criteria provided, single submitter. Criteria: CeGaT Center For Human Genetics Tuebingen Variant Classification Criteria Version 2. Collection method: clinical testing. Allele origin: germline. Affected: yes. Observed: 1 variant allele.
Comment: NRXN3: PM2

Ambry Genetics
Classification: Uncertain significance. Last evaluated: 2025-06-03. Review status: criteria provided, single submitter. Criteria: Ambry Variant Classification Scheme 2023. Collection method: clinical testing. Allele origin: germline.